The following is an entry in ClinVar:

NM_153676.4(USH1C):c.2450AGGCTG[3] (p.Ala820_Ala821insGluAla)

Gene: USH1C (USH1 protein network component harmonin; minus strand). Cytogenetic location: 11p15.1.
Variant type: Microsatellite.
Coding change: c.2450AGGCTG[3] on transcript NM_153676.4 (MANE Select); three copies in a row of the 6-base unit AGGCTG starting at c.2450; the reference has two copies in a row; one copy, 6 bases duplicated.
Protein change: p.Ala820_Ala821insGluAla.
Molecular consequence: inframe insertion. On other transcripts: non-coding transcript variant (1).
Genome position (GRCh38, 1-based): chr11:17,498,191-17,498,196, CAGCCT duplicated on the plus strand (AGGCTG on the coding strand, the reverse complement: USH1C is on the minus strand); duplicating any 6 consecutive bases within chr11:17,498,191-17,498,207 gives the same sequence; the position shown is the placement nearest the transcript's 3' end. VCF-style (leftmost placement, unchanged base first): chr11-17498190-G-GCAGCCT. GRCh37 (hg19) VCF-style: chr11-17519737-G-GCAGCCT.
Other names: c.1493AGGCTG[3], p.Ala501_Ala502insGluAla (NM_001297764.2); c.1736AGGCTG[3], p.Ala582_Ala583insGluAla (NM_001440679.1); c.1703AGGCTG[3], p.Ala571_Ala572insGluAla (NM_001440680.1); c.1679AGGCTG[3], p.Ala563_Ala564insGluAla (NM_001440681.1); c.1550AGGCTG[3], p.Ala520_Ala521insGluAla (NM_001440682.1, NM_001440685.1, NM_005709.4); c.1601AGGCTG[3], p.Ala537_Ala538insGluAla (NM_001440683.1); c.1583AGGCTG[3], p.Ala531_Ala532insGluAla (NM_001440684.1); c.1526AGGCTG[3], p.Ala512_Ala513insGluAla (NM_001440686.1); and 1 more.
Identifiers: ClinVar variation 4998554 (VCV004998554.1).

ClinVar aggregate classification (germline): Uncertain significance (1 of 4 stars; one submission).

Conditions:
USH1C-related disorder. Also called: USH1C-related condition.

Submission:

PreventionGenetics, part of Exact Sciences
Classification: Uncertain significance for USH1C-related condition. Last evaluated: 2024-12-27. Review status: criteria provided, single submitter. Criteria: ACMG Guidelines, 2015. Collection method: clinical testing. Allele origin: germline.
Comment: The USH1C c.2456_2461dup6 variant is predicted to result in an in-frame duplication (p.Glu819_Ala820dup). To our knowledge, this variant has not been reported in the literature or in a large population database (gnomAD), indicating this variant is rare. At this time, the clinical significance of this variant is uncertain due to the absence of conclusive functional and genetic evidence.